The following is an entry in ClinVar:

NM_000218.3(KCNQ1):c.1482G>T (p.Glu494Asp)

Genes: KCNQ1 (potassium voltage-gated channel subfamily Q member 1; plus strand), KCNQ1OT1 (KCNQ1 opposite strand/antisense transcript 1; minus strand). Cytogenetic location: 11p15.5.
Variant type: single nucleotide variant.
Coding change: c.1482G>T on transcript NM_000218.3 (MANE Select); coding-DNA position 1482, G replaced by T.
Protein change: p.Glu494Asp; replaces glutamic acid 494 with aspartic acid.
Molecular consequence: missense variant. On other transcripts: non-coding transcript variant (1).
Genome position (GRCh38, 1-based): chr11:2,662,049, G>T. VCF-style: chr11-2662049-G-T. GRCh37 (hg19) VCF-style: chr11-2683279-G-T.
Other names: c.1386G>T, p.Glu462Asp (NM_001406836.1); c.1212G>T, p.Glu404Asp (NM_001406837.1); c.942G>T, p.Glu314Asp (NM_001406838.1); c.1101G>T, p.Glu367Asp (NM_181798.2); short protein forms E404D, E462D, E494D, E314D, E367D.
Identifiers: ClinVar variation 2961572 (VCV002961572.3), dbSNP rs2493870404, ClinGen allele CA379479728.
Genomic context (GRCh38, chr11:2,662,049, plus strand): 5'-GAGCATGCCCCATTTCATGAGAACCAACAGCTTCGCCGAGGACCTGGACCTGGAAGGGGA[G>T]ACTCTGCTGACACCCATCACCCACATCTCACAGTGAGTGCCTACATGTGCGTGAAGGGCT-3'
Protein context (NP_000209.2, residues 484-504): SFAEDLDLEG[Glu494Asp]TLLTPITHIS

ClinVar aggregate classification (germline): Uncertain significance (1 of 4 stars; one submission).

Conditions:
Long QT syndrome (LQTS). Identifiers: MedGen C0023976, MeSH D008133, MONDO:0002442. Disease mechanism: loss of function. Inheritance: Various modes of inheritance.

Submission:

Labcorp Genetics (formerly Invitae), Labcorp
Classification: Uncertain significance for Long QT syndrome. Last evaluated: 2025-05-04. Review status: criteria provided, single submitter. Criteria: Invitae Variant Classification Sherloc (09022015). Collection method: clinical testing. Allele origin: germline.
Comment: This sequence change replaces glutamic acid, which is acidic and polar, with aspartic acid, which is acidic and polar, at codon 494 of the KCNQ1 protein (p.Glu494Asp). This variant is not present in population databases (gnomAD no frequency). This variant has not been reported in the literature in individuals affected with KCNQ1-related conditions. ClinVar contains an entry for this variant (Variation ID: 2961572). Invitae Evidence Modeling of protein sequence and biophysical properties (such as structural, functional, and spatial information, amino acid conservation, physicochemical variation, residue mobility, and thermodynamic stability) indicates that this missense variant is not expected to disrupt KCNQ1 protein function with a negative predictive value of 95%. In summary, the available evidence is currently insufficient to determine the role of this variant in disease. Therefore, it has been classified as a Variant of Uncertain Significance.